The following is an entry in ClinVar:

ClinVar aggregate classification (germline): Uncertain significance. Review status: criteria provided, single submitter (1 of 4 stars). 2 submissions from 2 submitters: Uncertain significance (1). 1 of the submissions does not count toward it. Last evaluated 2025-08-27.

Conditions:
BBS10-related disorder. Also called: BBS10-related condition.
Bardet-Biedl syndrome 10 (BBS10). Identifiers: Orphanet 110, MedGen C1859568, MONDO:0014438, OMIM 615987.

Submissions (2):

PreventionGenetics, part of Exact Sciences
Classification: Uncertain significance for BBS10-related condition. Last evaluated: 2025-08-27. Review status: criteria provided, single submitter. Criteria: ACMG Guidelines, 2015. Collection method: clinical testing. Allele origin: germline.
Comment: The BBS10 c.1737G>T variant is predicted to result in the amino acid substitution p.Lys579Asn. To our knowledge, this variant has not been reported in the literature or in a large population database (gnomAD), indicating this variant is rare. At this time, the clinical significance of this variant is uncertain due to the absence of conclusive functional and genetic evidence.

Natera, Inc.
Classification: Uncertain significance for Bardet-Biedl syndrome type 10. Last evaluated: 2025-01-13. Review status: no assertion criteria provided. Collection method: clinical testing. Allele origin: germline. Not counted in ClinVar's aggregate classification.

NM_024685.4(BBS10):c.1737G>T (p.Lys579Asn)

Gene: BBS10 (Bardet-Biedl syndrome 10; minus strand). Cytogenetic location: 12q21.2.
Variant type: single nucleotide variant.
Coding change: c.1737G>T on transcript NM_024685.4 (MANE Select); coding-DNA position 1737, G replaced by T.
Protein change: p.Lys579Asn; replaces lysine 579 with asparagine.
Molecular consequence: missense variant.
Genome position (GRCh38, 1-based): chr12:76,346,248, C>A on the plus strand (G>T on the coding strand, the complement: BBS10 is on the minus strand). VCF-style: chr12-76346248-C-A. GRCh37 (hg19) VCF-style: chr12-76740028-C-A.
Other names: short protein forms K579N.
Identifiers: ClinVar variation 4063705 (VCV004063705.2).